The following is an entry in ClinVar:

ClinVar aggregate classification (germline): Uncertain significance. Review status: criteria provided, multiple submitters, no conflicts (2 of 4 stars). 2 submissions from 2 submitters: Uncertain significance (2). Last evaluated 2025-12-20.

Conditions:
Tuberous sclerosis 1 (TSC1). Identifiers: Orphanet 805, MedGen C1854465, MONDO:0008612, OMIM 191100.
Isolated focal cortical dysplasia type II (FCORD2). Also called: Focal cortical dysplasia type II; CORTICAL DYSPLASIA OF TAYLOR. Identifiers: Orphanet 268994, MedGen C1846385, MONDO:0011818, OMIM 607341, HP:0032051.

Allele frequency attached by ClinVar (database versions not stated): gnomAD exomes below 0.00001.
gnomAD v4.1: 1 of 1,614,230 alleles (0.000062%); no homozygotes.

Submissions (2):

Labcorp Genetics (formerly Invitae), Labcorp
Classification: Uncertain significance for Tuberous sclerosis 1. Last evaluated: 2025-12-20. Review status: criteria provided, single submitter. Criteria: Invitae Variant Classification Sherloc (09022015). Collection method: clinical testing. Allele origin: germline.
Comment: This sequence change replaces leucine, which is neutral and non-polar, with phenylalanine, which is neutral and non-polar, at codon 90 of the TSC1 protein (p.Leu90Phe). This variant is not present in population databases (gnomAD no frequency). This variant has not been reported in the literature in individuals affected with TSC1-related conditions. ClinVar contains an entry for this variant (Variation ID: 1466402). Invitae Evidence Modeling of protein sequence and biophysical properties (such as structural, functional, and spatial information, amino acid conservation, physicochemical variation, residue mobility, and thermodynamic stability) indicates that this missense variant is not expected to disrupt TSC1 protein function with a negative predictive value of 95%. In summary, the available evidence is currently insufficient to determine the role of this variant in disease. Therefore, it has been classified as a Variant of Uncertain Significance.

Baylor Genetics
Classification: Uncertain significance for Isolated focal cortical dysplasia type II. Last evaluated: 2024-01-24. Review status: criteria provided, single submitter. Criteria: ACMG Guidelines, 2015. Collection method: clinical testing. Allele origin: unknown.

NM_000368.5(TSC1):c.268C>T (p.Leu90Phe)

Gene: TSC1 (TSC complex subunit 1; minus strand). Cytogenetic location: 9q34.13.
Variant type: single nucleotide variant.
Coding change: c.268C>T on transcript NM_000368.5 (MANE Select); coding-DNA position 268, C replaced by T.
Protein change: p.Leu90Phe; replaces leucine 90 with phenylalanine.
Molecular consequence: missense variant. On other transcripts: 5 prime UTR variant (1), intron variant (1).
Genome position (GRCh38, 1-based): chr9:132,925,682, G>A on the plus strand (C>T on the coding strand, the complement: TSC1 is on the minus strand). VCF-style: chr9-132925682-G-A. GRCh37 (hg19) VCF-style: chr9-135801069-G-A.
Other names: c.268C>T, p.Leu90Phe (NM_001162426.2); c.-96C>T (NM_001362177.2); c.210+1519C>T (NM_001162427.2); short protein forms L90F.
Identifiers: ClinVar variation 1466402 (VCV001466402.9), dbSNP rs2132235523, ClinGen allele CA375374649.